The following is an entry in ClinVar:

NM_032382.5(COG8):c.1741C>A (p.Pro581Thr)

Genes: COG8 (component of oligomeric golgi complex 8; minus strand), LOC130059304 (ATAC-STARR-seq lymphoblastoid silent region 7657; plus strand). Cytogenetic location: 16q22.1.
Variant type: single nucleotide variant.
Coding change: c.1741C>A on transcript NM_032382.5 (MANE Select); coding-DNA position 1741, C replaced by A.
Protein change: p.Pro581Thr; replaces proline 581 with threonine.
Molecular consequence: missense variant. On other transcripts: intron variant (2).
Genome position (GRCh38, 1-based): chr16:69,330,937, G>T on the plus strand (C>A on the coding strand, the complement: COG8 is on the minus strand). VCF-style: chr16-69330937-G-T. GRCh37 (hg19) VCF-style: chr16-69364840-G-T.
Other names: c.1882C>A, p.Pro628Thr (NM_001379261.1); c.1741C>A, p.Pro581Thr (NM_001379262.1, NM_001379264.1); c.1780C>A, p.Pro594Thr (NM_001379263.1); c.1414-1758C>A (NM_001379266.1); c.1583-1758C>A (NM_001379265.1); short protein forms P581T, P594T, P628T.
Identifiers: ClinVar variation 597494 (VCV000597494.54), dbSNP rs548002506, ClinGen allele CA8133608.

ClinVar aggregate classification (germline): Benign/Likely benign. Review status: criteria provided, multiple submitters, no conflicts (2 of 4 stars). 9 submissions from 9 submitters: Benign (4); Likely benign (4). 1 of the submissions does not count toward it. Last evaluated 2025-12-23.

Conditions:
Inborn genetic diseases. Identifiers: MedGen C0950123, MeSH D030342.
COG8-related disorder. Also called: COG8-related condition.
COG8-congenital disorder of glycosylation. Also called: COG8-CDG; CDG IIh. Identifiers: Orphanet 95428, MedGen C1970021, MONDO:0012635, OMIM 611182.

Allele frequency attached by ClinVar (database versions not stated): 1000 Genomes Project 30x 0.00187; gnomAD exomes 0.00198; 1000 Genomes Project 0.00220; ExAC 0.00618; gnomAD 0.00033 and 0.00064; TOPMed 0.00039.
gnomAD v4.1: 1,362 of 1,560,794 alleles (0.087%); highest among the groups gnomAD compares: South Asian, 1.1%; 22 homozygotes.

Submissions (9):

Labcorp Genetics (formerly Invitae), Labcorp
Classification: Benign for COG8-congenital disorder of glycosylation. Last evaluated: 2025-12-23. Review status: criteria provided, single submitter. Criteria: Invitae Variant Classification Sherloc (09022015). Collection method: clinical testing. Allele origin: germline.

Ambry Genetics
Classification: Likely benign for Inborn genetic diseases. Last evaluated: 2025-04-03. Review status: criteria provided, single submitter. Criteria: Ambry Variant Classification Scheme 2023. Collection method: clinical testing. Allele origin: germline.

CeGaT Center for Human Genetics Tuebingen
Classification: Benign. Last evaluated: 2024-05-01. Review status: criteria provided, single submitter. Criteria: CeGaT Center For Human Genetics Tuebingen Variant Classification Criteria Version 2. Collection method: clinical testing. Allele origin: germline. Affected: yes. Observed: 2 variant alleles.
Comment: COG8: BP4, BS1, BS2

Fulgent Genetics
Classification: Likely benign for COG8-congenital disorder of glycosylation. Last evaluated: 2022-03-30. Review status: criteria provided, single submitter. Criteria: ACMG Guidelines, 2015. Collection method: clinical testing. Allele origin: unknown.

Eurofins Ntd Llc (ga)
Classification: Benign. Last evaluated: 2018-06-27. Review status: criteria provided, single submitter. Criteria: EGL ClinVar v180209 classification definitions. Collection method: clinical testing. Allele origin: germline. Observed: 1 variant allele, 1 heterozygote.

GeneDx
Classification: Benign. Last evaluated: 2018-04-24. Review status: criteria provided, single submitter. Criteria: GeneDx Variant Classification (06012015). Collection method: clinical testing. Allele origin: germline. Affected: yes.
Comment: This variant is considered likely benign or benign based on one or more of the following criteria: it is a conservative change, it occurs at a poorly conserved position in the protein, it is predicted to be benign by multiple in silico algorithms, and/or has population frequency not consistent with disease.

Illumina Laboratory Services, Illumina
Classification: Likely benign for COG8-congenital disorder of glycosylation. Last evaluated: 2018-01-12. Review status: criteria provided, single submitter. Criteria: ICSL Variant Classification Criteria 13 December 2019. Collection method: clinical testing. Allele origin: germline.
Comment: This variant was observed in the ICSL laboratory as part of a predisposition screen in an ostensibly healthy population. It had not been previously curated by ICSL or reported in the Human Gene Mutation Database (HGMD: prior to June 1st, 2018), and was therefore a candidate for classification through an automated scoring system. Utilizing variant allele frequency, disease prevalence and penetrance estimates, and inheritance mode, an automated score was calculated to assess if this variant is too frequent to cause the disease. Based on the score and internal cut-off values, a variant classified as likely benign is not then subjected to further curation. The score for this variant resulted in a classification of likely benign for this disease.

Breakthrough Genomics
Classification: Likely benign. Review status: criteria provided, single submitter. Criteria: ACMG Guidelines, 2015. Collection method: not provided. Allele origin: germline. Inheritance: Unknown mechanism. Affected: yes.

PreventionGenetics, part of Exact Sciences
Classification: Benign for COG8-related condition. Last evaluated: 2024-04-03. Review status: no assertion criteria provided. Collection method: clinical testing. Allele origin: germline. Not counted in ClinVar's aggregate classification.
Comment: This variant is classified as benign based on ACMG/AMP sequence variant interpretation guidelines (Richards et al. 2015 PMID: 25741868, with internal and published modifications).